The following is an entry in ClinVar:

ClinVar aggregate classification (germline): Uncertain significance (1 of 4 stars; one submission).

Conditions:
VPS13B-related disorder. Also called: VPS13B-related condition.

Submission:

PreventionGenetics, part of Exact Sciences
Classification: Uncertain significance for VPS13B-related condition. Last evaluated: 2024-12-30. Review status: criteria provided, single submitter. Criteria: ACMG Guidelines, 2015. Collection method: clinical testing. Allele origin: germline.
Comment: The VPS13B c.4331A>G variant is predicted to result in the amino acid substitution p.Asn1444Ser. To our knowledge, this variant has not been reported in the literature or in a large population database (gnomAD), indicating this variant is rare. At this time, the clinical significance of this variant is uncertain due to the absence of conclusive functional and genetic evidence.

NM_152564.5(VPS13B):c.4331A>G (p.Asn1444Ser)

Gene: VPS13B (vacuolar protein sorting 13 homolog B; plus strand). Cytogenetic location: 8q22.2.
Variant type: single nucleotide variant.
Coding change: c.4331A>G on transcript NM_152564.5 (MANE Select); coding-DNA position 4331, A replaced by G.
Protein change: p.Asn1444Ser; replaces asparagine 1444 with serine.
Molecular consequence: missense variant.
Genome position (GRCh38, 1-based): chr8:99,511,210, A>G. VCF-style: chr8-99511210-A-G. GRCh37 (hg19) VCF-style: chr8-100523438-A-G.
Other names: c.4406A>G, p.Asn1469Ser (NM_017890.5); short protein forms N1444S, N1469S.
Identifiers: ClinVar variation 5001297 (VCV005001297.1).